The following is an entry in ClinVar:

NM_014714.4(IFT140):c.2969T>C (p.Ile990Thr)

Genes: IFT140 (intraflagellar transport 140; minus strand), LOC126862260 (CDK7 strongly-dependent group 2 enhancer GRCh37_chr16:1574508-1575707; plus strand). Cytogenetic location: 16p13.3.
Variant type: single nucleotide variant.
Coding change: c.2969T>C on transcript NM_014714.4 (MANE Select); coding-DNA position 2969, T replaced by C.
Protein change: p.Ile990Thr; replaces isoleucine 990 with threonine.
Molecular consequence: missense variant.
Genome position (GRCh38, 1-based): chr16:1,524,812, A>G on the plus strand (T>C on the coding strand, the complement: IFT140 is on the minus strand). VCF-style: chr16-1524812-A-G. GRCh37 (hg19) VCF-style: chr16-1574813-A-G.
Other names: short protein forms I990T.
Identifiers: ClinVar variation 5008891 (VCV005008891.1).

ClinVar aggregate classification (germline): Uncertain significance (1 of 4 stars; one submission).

gnomAD v4.1: 2 of 1,611,466 alleles (0.00012%); highest among the groups gnomAD compares: Non-Finnish European, 0.00017%; no homozygotes.

Submission:

GeneDx
Classification: Uncertain significance. Last evaluated: 2026-03-10. Review status: criteria provided, single submitter. Criteria: GeneDx Variant Classification Process June 2021. Collection method: clinical testing. Allele origin: germline.
Comment: Not observed at significant frequency in large population cohorts (gnomAD); In silico analysis supports that this missense variant has a deleterious effect on protein structure/function; Has not been previously published as pathogenic or benign to our knowledge